The following is an entry in ClinVar:

ClinVar aggregate classification (germline): Likely pathogenic. Review status: criteria provided, single submitter (1 of 4 stars). 3 submissions from 3 submitters: Likely pathogenic (1). 2 of the submissions do not count toward it. Last evaluated 2026-01-22.

Conditions:
Alkaptonuria (AKU). Also called: Alcaptonuria; Alkaptonuric ochronosis; HOMOGENTISIC ACID OXIDASE DEFICIENCY; Homogentisic acidura. Identifiers: Orphanet 56, MedGen C0002066, MONDO:0008753, OMIM 203500.

gnomAD v4.1: 2 of 1,572,392 alleles (0.00013%); highest among the groups gnomAD compares: Non-Finnish European, 0.000088%; no homozygotes.

Submissions (4):

Myriad Genetics, Inc.
Classification: Likely pathogenic for Alkaptonuria. Last evaluated: 2026-01-22. Review status: criteria provided, single submitter. Criteria: Myriad Autosomal Dominant, Autosomal Recessive and X-Linked Classification Criteria (2023). Collection method: clinical testing. Allele origin: unknown.
Comment: NM_000187.3(HGD):c.649+2T>C is a variant in a canonical splice site classified as likely pathogenic in the context of alkaptonuria. c.649+2T>C has not been observed in cases with relevant disease. Relevant functional assessments of this variant are not available in the literature. c.649+2T>C has not been observed in referenced population frequency databases. In summary, NM_000187.3(HGD):c.649+2T>C is a variant in a canonical splice site in a gene where loss of function is a known mechanism of disease and is predicted to disrupt protein function. Please note: this variant was assessed in the context of healthy population screening.

Counsyl
Classification: Likely pathogenic for Alkaptonuria. Last evaluated: 2015-12-11. Review status: no assertion criteria provided. Collection method: clinical testing. Allele origin: unknown. Not counted in ClinVar's aggregate classification.

Department Of Human Genetics, Institute Of Clinical And Translational Research, Biomedical Research Center, Slovak Academy Of Sciences
Classification: Pathogenic for Alkaptonuria. Review status: no assertion criteria provided. Collection method: research. Allele origin: germline. Inheritance: Autosomal recessive inheritance. Affected: yes. Observed: 3 variant alleles. Not counted in ClinVar's aggregate classification.
Comment: Variant has been submitted to the HGD gene mutation database (DB-ID: AKU_00211)

Dr. Peter K. Rogan Lab, Western University
No classification provided (evidence only). Condition: Familial prostate cancer. Review status: no classification provided. Collection method: in vitro. Allele origin: not applicable. Functional consequence: skipped exon, retained intron. Not counted in ClinVar's aggregate classification.

Literature cited by the submitters: PubMed 23430897 (cited by Department Of Human Genetics, Institute Of Clinical And Translational Research, Biomedical Research Center, Slovak Academy Of Sciences).

NM_000187.4(HGD):c.649+2T>C

Gene: HGD (homogentisate 1,2-dioxygenase; minus strand). Cytogenetic location: 3q13.33.
Variant type: single nucleotide variant.
Coding change: c.649+2T>C on transcript NM_000187.4 (MANE Select); the canonical splice donor site of the intron after coding-DNA position 649, T replaced by C.
Molecular consequence: splice donor variant.
Genome position (GRCh38, 1-based): chr3:120,646,265, A>G on the plus strand (T>C on the coding strand, the complement: HGD is on the minus strand). VCF-style: chr3-120646265-A-G. GRCh37 (hg19) VCF-style: chr3-120365112-A-G.
Other names: NC_000003.11:g.120365112A>G.
Identifiers: ClinVar variation 370198 (VCV000370198.7), dbSNP rs1057516307, ClinGen allele CA16040890.
Genomic context (GRCh38, chr3:120,646,265, plus strand): 5'-TCATGCAATTATCTGAGTCCTACATCTCAAGCGAGGCTTAGAGGCTTGTAATGAAGATTT[A>G]CCAATTGGTCCAAGGTCAGGTAACTCAAAGTGGACACCATAGACCTCCAAGATGTAGCCC-3'